The following is an entry in ClinVar:

NM_000400.4(ERCC2):c.1399T>C (p.Tyr467His)

Gene: ERCC2 (ERCC excision repair 2, TFIIH core complex helicase subunit; minus strand). Cytogenetic location: 19q13.32.
Variant type: single nucleotide variant.
Coding change: c.1399T>C on transcript NM_000400.4 (MANE Select); coding-DNA position 1399, T replaced by C.
Protein change: p.Tyr467His; replaces tyrosine 467 with histidine.
Molecular consequence: missense variant.
Genome position (GRCh38, 1-based): chr19:45,357,350, A>G on the plus strand (T>C on the coding strand, the complement: ERCC2 is on the minus strand). VCF-style: chr19-45357350-A-G. GRCh37 (hg19) VCF-style: chr19-45860608-A-G.
Other names: short protein forms Y467H.
Identifiers: ClinVar variation 3509808 (VCV003509808.1).

ClinVar aggregate classification (germline): Uncertain significance (1 of 4 stars; one submission).

Conditions:
Inborn genetic diseases. Identifiers: MedGen C0950123, MeSH D030342.

gnomAD v4.1: 1 of 1,614,048 alleles (0.000062%); highest among the groups gnomAD compares: Non-Finnish European, 0.000085%; no homozygotes.

Submission:

Ambry Genetics
Classification: Uncertain significance for Inborn genetic diseases. Last evaluated: 2024-07-05. Review status: criteria provided, single submitter. Criteria: Ambry Variant Classification Scheme 2023. Collection method: clinical testing. Allele origin: germline.
Comment: The p.Y467H variant (also known as c.1399T>C), located in coding exon 15 of the ERCC2 gene, results from a T to C substitution at nucleotide position 1399. The tyrosine at codon 467 is replaced by histidine, an amino acid with similar properties. This amino acid position is conserved. In addition, this alteration is predicted to be deleterious by in silico analysis. Based on the available evidence, the clinical significance of this variant remains unclear.